The following is an entry in ClinVar:

NM_001035.3(RYR2):c.178C>T (p.Pro60Ser)

Gene: RYR2 (ryanodine receptor 2; plus strand). Cytogenetic location: 1q43.
Variant type: single nucleotide variant.
Coding change: c.178C>T on transcript NM_001035.3 (MANE Select); coding-DNA position 178, C replaced by T.
Protein change: p.Pro60Ser; replaces proline 60 with serine.
Molecular consequence: missense variant.
Genome position (GRCh38, 1-based): chr1:237,330,887, C>T. VCF-style: chr1-237330887-C-T. GRCh37 (hg19) VCF-style: chr1-237494187-C-T.
Other names: short protein forms P60S.
Identifiers: ClinVar variation 938149 (VCV000938149.11), dbSNP rs1696641342, ClinGen allele CA345654557.

ClinVar aggregate classification (germline): Uncertain significance. Review status: criteria provided, multiple submitters, no conflicts (2 of 4 stars). 2 submissions from 2 submitters: Uncertain significance (2). Last evaluated 2024-02-26.

Conditions:
Catecholaminergic polymorphic ventricular tachycardia 1. Also called: RYR2-Related Catecholaminergic Polymorphic Ventricular Tachycardia; VENTRICULAR TACHYCARDIA, CATECHOLAMINERGIC POLYMORPHIC, 1, WITH OR WITHOUT ATRIAL DYSFUNCTION AND/OR DILATED CARDIOMYOPATHY; VENTRICULAR TACHYCARDIA, STRESS-INDUCED POLYMORPHIC 1. Identifiers: Orphanet 3286, MedGen C1631597, MONDO:0011484, OMIM 604772.
Cardiomyopathy (CMYO). Also called: Cardiomyopathies. Identifiers: Orphanet 167848, MedGen C0878544, MONDO:0004994, HP:0001638. Inheritance: Various modes of inheritance.

Submissions (2):

Color Diagnostics, LLC DBA Color Health
Classification: Uncertain significance for Cardiomyopathy. Last evaluated: 2024-02-26. Review status: criteria provided, single submitter. Criteria: ACMG Guidelines, 2015. Collection method: clinical testing. Allele origin: germline.
Comment: This missense variant replaces proline with serine at codon 60 of the RYR2 protein. Computational prediction is inconclusive regarding the impact of this variant on protein structure and function. To our knowledge, functional studies have not been reported for this variant. This variant has not been reported in individuals affected with RYR2-related disorders in the literature. This variant has not been identified in the general population by the Genome Aggregation Database (gnomAD). The available evidence is insufficient to determine the role of this variant in disease conclusively. Therefore, this variant is classified as a Variant of Uncertain Significance.

Labcorp Genetics (formerly Invitae), Labcorp
Classification: Uncertain significance for Catecholaminergic polymorphic ventricular tachycardia 1. Last evaluated: 2021-03-07. Review status: criteria provided, single submitter. Criteria: Invitae Variant Classification Sherloc (09022015). Collection method: clinical testing. Allele origin: germline.
Comment: Algorithms developed to predict the effect of missense changes on protein structure and function (SIFT, PolyPhen-2, Align-GVGD) all suggest that this variant is likely to be tolerated, but these predictions have not been confirmed by published functional studies and their clinical significance is uncertain. This sequence change replaces proline with serine at codon 60 of the RYR2 protein (p.Pro60Ser). The proline residue is moderately conserved and there is a moderate physicochemical difference between proline and serine. This variant is not present in population databases (ExAC no frequency). This variant has not been reported in the literature in individuals with RYR2-related conditions. In summary, the available evidence is currently insufficient to determine the role of this variant in disease. Therefore, it has been classified as a Variant of Uncertain Significance.